The following is an entry in ClinVar:

NM_032578.4(MYPN):c.3493+128T>C

Gene: MYPN (myopalladin; plus strand). Cytogenetic location: 10q21.3.
Variant type: single nucleotide variant.
Coding change: c.3493+128T>C on transcript NM_032578.4 (MANE Select); 128 bases into the intron after coding-DNA position 3493, T replaced by C.
Molecular consequence: intron variant.
Genome position (GRCh38, 1-based): chr10:68,199,703, T>C. VCF-style: chr10-68199703-T-C. GRCh37 (hg19) VCF-style: chr10-69959460-T-C.
Other names: c.3493+128T>C (NM_001256267.2); c.2611+128T>C (NM_001256268.2).
Identifiers: ClinVar variation 675305 (VCV000675305.2), dbSNP rs12358413, ClinGen allele CA208226447.

ClinVar aggregate classification (germline): Benign. Review status: criteria provided, multiple submitters, no conflicts (2 of 4 stars). 2 submissions from 2 submitters: Benign (2). Last evaluated 2018-06-14.

Allele frequency attached by ClinVar (database versions not stated): 1000 Genomes Project 0.02975; 1000 Genomes Project 30x 0.03076; TOPMed 0.05383.
gnomAD v4.1: 44,700 of 887,106 alleles (5%); highest among the groups gnomAD compares: Middle Eastern, 6.4%; 1,272 homozygotes.

Submissions (2):

GeneDx
Classification: Benign. Last evaluated: 2018-06-14. Review status: criteria provided, single submitter. Criteria: GeneDx Variant Classification (06012015). Collection method: clinical testing. Allele origin: germline. Affected: yes.
Comment: This variant is considered likely benign or benign based on one or more of the following criteria: it is a conservative change, it occurs at a poorly conserved position in the protein, it is predicted to be benign by multiple in silico algorithms, and/or has population frequency not consistent with disease.

Breakthrough Genomics
Classification: Benign. Review status: criteria provided, single submitter. Criteria: ACMG Guidelines, 2015. Collection method: not provided. Allele origin: germline. Inheritance: Autosomal recessive inheritance. Affected: yes.